The following is an entry in ClinVar:

NM_014334.4(FRRS1L):c.53T>G (p.Leu18Arg)

Gene: FRRS1L (ferric chelate reductase 1 like; minus strand). Cytogenetic location: 9q31.3.
Variant type: single nucleotide variant.
Coding change: c.53T>G on transcript NM_014334.4 (MANE Select); coding-DNA position 53, T replaced by G.
Protein change: p.Leu18Arg; replaces leucine 18 with arginine.
Molecular consequence: missense variant.
Genome position (GRCh38, 1-based): chr9:109,167,086, A>C on the plus strand (T>G on the coding strand, the complement: FRRS1L is on the minus strand). VCF-style: chr9-109167086-A-C. GRCh37 (hg19) VCF-style: chr9-111929366-A-C.
Other names: c.206T>G (NM_014334.3); short protein forms L18R.
Identifiers: ClinVar variation 542871 (VCV000542871.18), dbSNP rs1477068520, ClinGen allele CA374430593.

ClinVar aggregate classification (germline): Uncertain significance. Review status: criteria provided, multiple submitters, no conflicts (2 of 4 stars). 4 submissions from 4 submitters: Uncertain significance (4). Last evaluated 2026-07-28.

Conditions:
Developmental and epileptic encephalopathy, 37 (DEE37). Also called: Epileptic encephalopathy, early infantile, 37. Identifiers: MedGen C4310770, MONDO:0014859, OMIM 616981.
Inborn genetic diseases. Identifiers: MedGen C0950123, MeSH D030342.

Allele frequency attached by ClinVar (database versions not stated): gnomAD 0.00006 and 0.00005; TOPMed 0.00012.
gnomAD v4.1: 9 of 1,180,502 alleles (0.00076%); highest among the groups gnomAD compares: Admixed American, 0.035%; no homozygotes.

Submissions (4):

GeneDx
Classification: Uncertain significance. Last evaluated: 2026-07-28. Review status: criteria provided, single submitter. Criteria: GeneDx Variant Classification Process June 2021. Collection method: clinical testing. Allele origin: germline.
Comment: Not observed at significant frequency in large population cohorts (gnomAD); In silico analysis suggests that this missense variant does not alter protein structure/function; Has not been previously published as pathogenic or benign to our knowledge

Labcorp Genetics (formerly Invitae), Labcorp
Classification: Uncertain significance for Developmental and epileptic encephalopathy, 37. Last evaluated: 2022-09-27. Review status: criteria provided, single submitter. Criteria: Invitae Variant Classification Sherloc (09022015). Collection method: clinical testing. Allele origin: germline.
Comment: This sequence change replaces leucine, which is neutral and non-polar, with arginine, which is basic and polar, at codon 69 of the FRRS1L protein (p.Leu69Arg). The frequency data for this variant in the population databases is considered unreliable, as metrics indicate insufficient coverage at this position in the gnomAD database. This variant has not been reported in the literature in individuals affected with FRRS1L-related conditions. ClinVar contains an entry for this variant (Variation ID: 542871). Algorithms developed to predict the effect of missense changes on protein structure and function are either unavailable or do not agree on the potential impact of this missense change (SIFT: "Deleterious"; PolyPhen-2: "Possibly Damaging"; Align-GVGD: "Class C0"). In summary, the available evidence is currently insufficient to determine the role of this variant in disease. Therefore, it has been classified as a Variant of Uncertain Significance.

Ambry Genetics
Classification: Uncertain significance for Inborn genetic diseases. Last evaluated: 2021-10-06. Review status: criteria provided, single submitter. Criteria: Ambry Variant Classification Scheme 2023. Collection method: clinical testing. Allele origin: germline.

Revvity Omics, Revvity
Classification: Uncertain significance for Developmental and epileptic encephalopathy, 37. Last evaluated: 2021-09-22. Review status: criteria provided, single submitter. Criteria: ACMG Guidelines, 2015. Collection method: clinical testing. Allele origin: germline.